The following is an entry in ClinVar:

NM_006947.4(SRP72):c.682A>G (p.Ile228Val)

Gene: SRP72 (signal recognition particle 72; plus strand). Cytogenetic location: 4q12.
Variant type: single nucleotide variant.
Coding change: c.682A>G on transcript NM_006947.4 (MANE Select); coding-DNA position 682, A replaced by G.
Protein change: p.Ile228Val; replaces isoleucine 228 with valine.
Molecular consequence: missense variant. On other transcripts: non-coding transcript variant (1), intron variant (1).
Genome position (GRCh38, 1-based): chr4:56,478,418, A>G. VCF-style: chr4-56478418-A-G. GRCh37 (hg19) VCF-style: chr4-57344584-A-G.
Other names: c.642+1716A>G (NM_001267722.2); short protein forms I228V.
Identifiers: ClinVar variation 3962150 (VCV003962150.2).

ClinVar aggregate classification (germline): Uncertain significance (1 of 4 stars; one submission).

Submission:

Ambry Genetics
Classification: Uncertain significance. Last evaluated: 2025-12-04. Review status: criteria provided, single submitter. Criteria: Ambry Variant Classification Scheme 2023. Collection method: clinical testing. Allele origin: germline.
Comment: The p.I228V variant (also known as c.682A>G), located in coding exon 7 of the SRP72 gene, results from an A to G substitution at nucleotide position 682. The isoleucine at codon 228 is replaced by valine, an amino acid with highly similar properties. This amino acid position is conserved. In addition, the in silico prediction for this alteration is inconclusive. Based on the available evidence, the clinical significance of this variant remains unclear.